The following is an entry in ClinVar:

ClinVar aggregate classification (germline): Likely benign. Review status: criteria provided, multiple submitters, no conflicts (2 of 4 stars). 4 submissions from 4 submitters: Likely benign (4). Last evaluated 2026-08-06.

Conditions:
USH2A-related disorder. Also called: USH2A-related condition; USH2A-related disorders. Identifiers: MedGen CN239332.

gnomAD v4.1: 28 of 1,614,052 alleles (0.0017%); highest among the groups gnomAD compares: East Asian, 0.0089%; no homozygotes.

Submissions (4):

PreventionGenetics, part of Exact Sciences
Classification: Likely benign for USH2A-related condition. Last evaluated: 2026-08-06. Review status: criteria provided, single submitter. Criteria: ACMG Guidelines, 2015. Collection method: clinical testing. Allele origin: germline.
Comment: This variant is classified as likely benign based on ACMG/AMP sequence variant interpretation guidelines (Richards et al. 2015 PMID: 25741868, with internal and published modifications).

Labcorp Genetics (formerly Invitae), Labcorp
Classification: Likely benign. Last evaluated: 2025-12-30. Review status: criteria provided, single submitter. Criteria: Invitae Variant Classification Sherloc (09022015). Collection method: clinical testing. Allele origin: germline.

Blueprint Genetics
Classification: Likely benign. Last evaluated: 2024-06-28. Review status: criteria provided, single submitter. Criteria: ACMG Guidelines, 2015. Collection method: clinical testing. Allele origin: germline.

CeGaT Center for Human Genetics Tuebingen
Classification: Likely benign. Last evaluated: 2024-05-01. Review status: criteria provided, single submitter. Criteria: CeGaT Center For Human Genetics Tuebingen Variant Classification Criteria Version 2. Collection method: clinical testing. Allele origin: germline. Affected: yes. Observed: 1 variant allele.
Comment: USH2A: BP4, BP7

NM_206933.4(USH2A):c.13134G>A (p.Pro4378=)

Gene: USH2A (usherin; minus strand). Cytogenetic location: 1q41.
Variant type: single nucleotide variant.
Coding change: c.13134G>A on transcript NM_206933.4 (MANE Select); coding-DNA position 13134, G replaced by A.
Protein change: p.Pro4378=; no amino-acid change (proline 4378 retained).
Molecular consequence: synonymous variant.
Genome position (GRCh38, 1-based): chr1:215,674,777, C>T on the plus strand (G>A on the coding strand, the complement: USH2A is on the minus strand). VCF-style: chr1-215674777-C-T. GRCh37 (hg19) VCF-style: chr1-215848119-C-T.
Other names: c.13134G>A (NM_206933.2).
Identifiers: ClinVar variation 1085550 (VCV001085550.30), dbSNP rs148975669, ClinGen allele CA1393344.